The following is an entry in ClinVar:

NM_012310.5(KIF4A):c.3488A>G (p.Asn1163Ser)

Gene: KIF4A (kinesin family member 4A; plus strand). Cytogenetic location: Xq13.1.
Variant type: single nucleotide variant.
Coding change: c.3488A>G on transcript NM_012310.5 (MANE Select); coding-DNA position 3488, A replaced by G.
Protein change: p.Asn1163Ser; replaces asparagine 1163 with serine.
Molecular consequence: missense variant.
Genome position (GRCh38, 1-based): chrX:70,419,776, A>G. VCF-style: chrX-70419776-A-G. GRCh37 (hg19) VCF-style: chrX-69639626-A-G.
Other names: NC_000023.10:g.69639626A>G; short protein forms N1163S.
Identifiers: ClinVar variation 3046422 (VCV003046422.10), dbSNP rs141822498, ClinGen allele CA10441490.

ClinVar aggregate classification (germline): Likely benign. Review status: criteria provided, single submitter (1 of 4 stars). 2 submissions from 2 submitters: Likely benign (1). 1 of the submissions does not count toward it. Last evaluated 2025-03-01.

Conditions:
KIF4A-related disorder. Also called: KIF4A-related condition.

Allele frequency attached by ClinVar (database versions not stated): ESP Exome Variant Server 0.00019; TOPMed 0.00019; gnomAD exomes 0.00020; gnomAD 0.00022; ExAC 0.00023.
gnomAD v4.1: 258 of 1,208,688 alleles (0.021%); highest among the groups gnomAD compares: Non-Finnish European, 0.018%; 1 homozygote.

Submissions (5):

CeGaT Center for Human Genetics Tuebingen
Classification: Likely benign. Last evaluated: 2025-03-01. Review status: criteria provided, single submitter. Criteria: CeGaT Center For Human Genetics Tuebingen Variant Classification Criteria Version 2. Collection method: clinical testing. Allele origin: germline. Affected: yes. Observed: 1 variant allele.
Comment: KIF4A: BP4, BS2

PreventionGenetics, part of Exact Sciences
Classification: Likely benign for KIF4A-related condition. Last evaluated: 2021-11-02. Review status: no assertion criteria provided. Collection method: clinical testing. Allele origin: germline. Not counted in ClinVar's aggregate classification.
Comment: This variant is classified as likely benign based on ACMG/AMP sequence variant interpretation guidelines (Richards et al. 2015 PMID: 25741868, with internal and published modifications).

Dr. Peter K. Rogan Lab, Western University
No classification provided (evidence only). Condition: Melanoma. Review status: no classification provided. Collection method: in vitro. Allele origin: not applicable. Functional consequence: retained intron. Not counted in ClinVar's aggregate classification.

Dr. Peter K. Rogan Lab, Western University
No classification provided (evidence only). Condition: Thyroid cancer, nonmedullary, 1. Review status: no classification provided. Collection method: in vitro. Allele origin: not applicable. Functional consequence: retained intron. Not counted in ClinVar's aggregate classification.

Dr. Peter K. Rogan Lab, Western University
No classification provided (evidence only). Condition: Uterine corpus endometrial carcinoma. Review status: no classification provided. Collection method: in vitro. Allele origin: not applicable. Functional consequence: retained intron. Not counted in ClinVar's aggregate classification.